The following is an entry in ClinVar:

NM_000170.3(GLDC):c.2479_2481delinsT (p.Lys827fs)

Gene: GLDC (glycine decarboxylase; minus strand). Cytogenetic location: 9p24.1.
Variant type: Indel.
Coding change: c.2479_2481delinsT on transcript NM_000170.3 (MANE Select); coding-DNA positions 2479 to 2481, AAA replaced by T.
Protein change: p.Lys827fs; shifts the reading frame from lysine 827.
Molecular consequence: frameshift variant.
Genome position (GRCh38, 1-based): chr9:6,550,891-6,550,893, TTT replaced by A on the plus strand (AAA replaced by T on the coding strand, the reverse complement: GLDC is on the minus strand). VCF-style: chr9-6550891-TTT-A. GRCh37 (hg19) VCF-style: chr9-6550891-TTT-A.
Other names: short protein forms K827fs.
Identifiers: ClinVar variation 5015482 (VCV005015482.1).
Genomic context (GRCh38, chr9:6,550,891, plus strand): 5'-GTGTGTTTCTAATCGCTTGGCCATGTAGTTGGCATTTAATATCGCAGTTTCCGTGGCTTG[TTT>A]AAGACCCTTGCCTCCCATCATCTGCAACAAAGGGAAAAAGAGCCATTAGCCATTGAACAG-3'

ClinVar aggregate classification (germline): Pathogenic (1 of 4 stars; one submission).

Conditions:
Glycine encephalopathy 1 (GCE1). Identifiers: MedGen CN376801, MONDO:0958179, OMIM 605899.

Submission:

Myriad Genetics, Inc.
Classification: Pathogenic for Glycine encephalopathy 1. Last evaluated: 2026-01-25. Review status: criteria provided, single submitter. Criteria: Myriad Autosomal Dominant, Autosomal Recessive and X-Linked Classification Criteria (2023). Collection method: clinical testing. Allele origin: unknown.
Comment: NM_000170.2(GLDC):c.2479_2481delAAAinsT(K827Sfs*35) is expected to be pathogenic in the context of glycine encephalopathy, GLDC-related. This variant is predicted to lead to an abnormal or absent protein product due to the creation of a premature termination codon in GLDC, a gene where loss-of-function variants are known to be pathogenic. Please note: this variant was assessed in the context of healthy population screening.